The following is an entry in ClinVar:

ClinVar aggregate classification (germline): Likely benign. Review status: criteria provided, multiple submitters, no conflicts (2 of 4 stars). 3 submissions from 3 submitters: Likely benign (3). Last evaluated 2025-01-14.

Conditions:
Hereditary cancer-predisposing syndrome. Also called: Tumor predisposition; Neoplastic Syndromes, Hereditary; Hereditary neoplastic syndrome; Hereditary Cancer Syndrome. Identifiers: Orphanet 140162, MedGen C0027672, MeSH D009386, MONDO:0015356.
Familial cancer of breast. Also called: hereditary breast carcinoma; BREAST CANCER, FAMILIAL; Hereditary breast cancer. Identifiers: Orphanet 227535, MedGen C0346153, MONDO:0016419, OMIM 114480. Disease mechanism: loss of function.

gnomAD v4.1: 1 of 1,580,192 alleles (0.000063%); highest among the groups gnomAD compares: Non-Finnish European, 0.000087%; no homozygotes.

Submissions (3):

Myriad Genetics, Inc.
Classification: Likely benign for Familial cancer of breast. Last evaluated: 2025-01-14. Review status: criteria provided, single submitter. Criteria: Myriad Autosomal Dominant, Autosomal Recessive and X-Linked Classification Criteria (2023). Collection method: clinical testing. Allele origin: unknown.
Comment: This variant is considered likely benign. This variant is intronic and is not expected to impact mRNA splicing.

Labcorp Genetics (formerly Invitae), Labcorp
Classification: Likely benign for Familial cancer of breast. Last evaluated: 2023-07-08. Review status: criteria provided, single submitter. Criteria: Invitae Variant Classification Sherloc (09022015). Collection method: clinical testing. Allele origin: germline.

Color Diagnostics, LLC DBA Color Health
Classification: Likely benign for Hereditary cancer-predisposing syndrome. Last evaluated: 2017-08-15. Review status: criteria provided, single submitter. Criteria: ACMG Guidelines, 2015. Collection method: clinical testing. Allele origin: germline.

NM_024675.4(PALB2):c.1685-14T>C

Gene: PALB2 (partner and localizer of BRCA2; minus strand). Cytogenetic location: 16p12.2.
Variant type: single nucleotide variant.
Coding change: c.1685-14T>C on transcript NM_024675.4 (MANE Select); 14 bases into the intron before coding-DNA position 1685, T replaced by C.
Molecular consequence: intron variant.
Genome position (GRCh38, 1-based): chr16:23,630,483, A>G on the plus strand (T>C on the coding strand, the complement: PALB2 is on the minus strand). VCF-style: chr16-23630483-A-G. GRCh37 (hg19) VCF-style: chr16-23641804-A-G.
Identifiers: ClinVar variation 630629 (VCV000630629.6), dbSNP rs780772404, ClinGen allele CA913188780.